The following is an entry in ClinVar:

NM_001042492.3(NF1):c.962C>T (p.Ala321Val)

Gene: NF1 (neurofibromin 1; plus strand). Cytogenetic location: 17q11.2.
Variant type: single nucleotide variant.
Coding change: c.962C>T on transcript NM_001042492.3 (MANE Select); coding-DNA position 962, C replaced by T.
Protein change: p.Ala321Val; replaces alanine 321 with valine.
Molecular consequence: missense variant.
Genome position (GRCh38, 1-based): chr17:31,200,495, C>T. VCF-style: chr17-31200495-C-T. GRCh37 (hg19) VCF-style: chr17-29527513-C-T.
Other names: c.962C>T, p.Ala321Val (NM_000267.4, NM_001128147.3); short protein forms A321V.
Identifiers: ClinVar variation 1063697 (VCV001063697.8), dbSNP rs2143873023, ClinGen allele CA398995924.

ClinVar aggregate classification (germline): Uncertain significance. Review status: criteria provided, multiple submitters, no conflicts (2 of 4 stars). 2 submissions from 2 submitters: Uncertain significance (2). Last evaluated 2025-08-01.

Conditions:
Cardiovascular phenotype. Identifiers: MedGen CN230736.
Hereditary cancer-predisposing syndrome. Also called: Tumor predisposition; Neoplastic Syndromes, Hereditary; Hereditary Cancer Syndrome; Hereditary neoplastic syndrome. Identifiers: Orphanet 140162, MedGen C0027672, MeSH D009386, MONDO:0015356.
Neurofibromatosis, type 1 (NF1). Also called: NEUROFIBROMATOSIS, TYPE I, SOMATIC; Neurofibromatosis, type I; VON RECKLINGHAUSEN DISEASE; Peripheral type neurofibromatosis. Identifiers: Orphanet 636, MedGen C0027831, MONDO:0018975, OMIM 162200. Disease mechanism: loss of function.

Submissions (2):

Ambry Genetics
Classification: Uncertain significance for Cardiovascular phenotype; Hereditary cancer-predisposing syndrome. Last evaluated: 2025-08-01. Review status: criteria provided, single submitter. Criteria: Ambry Variant Classification Scheme 2023. Collection method: clinical testing. Allele origin: germline.
Comment: The p.A321V variant (also known as c.962C>T), located in coding exon 9 of the NF1 gene, results from a C to T substitution at nucleotide position 962. The alanine at codon 321 is replaced by valine, an amino acid with similar properties. This amino acid position is highly conserved in available vertebrate species. In addition, the in silico prediction for this alteration is inconclusive. Based on the available evidence, the clinical significance of this variant remains unclear.

Labcorp Genetics (formerly Invitae), Labcorp
Classification: Uncertain significance for Neurofibromatosis, type 1. Last evaluated: 2022-03-09. Review status: criteria provided, single submitter. Criteria: Invitae Variant Classification Sherloc (09022015). Collection method: clinical testing. Allele origin: germline.
Comment: This variant is not present in population databases (gnomAD no frequency). This sequence change replaces alanine, which is neutral and non-polar, with valine, which is neutral and non-polar, at codon 321 of the NF1 protein (p.Ala321Val). This variant has not been reported in the literature in individuals affected with NF1-related conditions. In summary, the available evidence is currently insufficient to determine the role of this variant in disease. Therefore, it has been classified as a Variant of Uncertain Significance. Algorithms developed to predict the effect of missense changes on protein structure and function are either unavailable or do not agree on the potential impact of this missense change (SIFT: "Tolerated"; PolyPhen-2: "Probably Damaging"; Align-GVGD: "Class C0"). ClinVar contains an entry for this variant (Variation ID: 1063697).